The following is an entry in ClinVar:

NM_024422.6(DSC2):c.1664G>A (p.Gly555Glu)

Gene: DSC2 (desmocollin 2; minus strand). Cytogenetic location: 18q12.1.
Variant type: single nucleotide variant.
Coding change: c.1664G>A on transcript NM_024422.6 (MANE Select); coding-DNA position 1664, G replaced by A.
Protein change: p.Gly555Glu; replaces glycine 555 with glutamic acid.
Molecular consequence: missense variant.
Genome position (GRCh38, 1-based): chr18:31,074,907, C>T on the plus strand (G>A on the coding strand, the complement: DSC2 is on the minus strand). VCF-style: chr18-31074907-C-T. GRCh37 (hg19) VCF-style: chr18-28654873-C-T.
Other names: c.1664G>A, p.Gly555Glu (NM_004949.5); short protein forms G555E.
Identifiers: ClinVar variation 921653 (VCV000921653.5), dbSNP rs766681408, ClinGen allele CA402114515.
Genomic context (GRCh38, chr18:31,074,907, plus strand): 5'-GGGCTGTTATCATTCACGTCTTGAAGTATAATGCCCAGTGTCCCCGTACATGTTCTCCCT[C>T]CTAGAAAAATGAAAATAAAAATAGTTTTTCTATGTTTTGAGTTTTCACCACAAAAGTATG-3'
Protein context (NP_077740.1, residues 545-565): YNITVLASDQ[Gly555Glu]GRTCTGTLGI

ClinVar aggregate classification (germline): Uncertain significance. Review status: criteria provided, multiple submitters, no conflicts (2 of 4 stars). 2 submissions from 2 submitters: Uncertain significance (2). Last evaluated 2025-10-07.

Conditions:
Cardiovascular phenotype. Identifiers: MedGen CN230736.
Cardiomyopathy (CMYO). Also called: Cardiomyopathies. Identifiers: Orphanet 167848, MedGen C0878544, MONDO:0004994, HP:0001638. Inheritance: Various modes of inheritance.

Submissions (2):

Color Diagnostics, LLC DBA Color Health
Classification: Uncertain significance for Cardiomyopathy. Last evaluated: 2025-10-07. Review status: criteria provided, single submitter. Criteria: ACMG Guidelines, 2015. Collection method: clinical testing. Allele origin: germline.
Comment: This missense variant replaces glycine with glutamic acid at codon 555 of the DSC2 protein. Computational prediction suggests that this variant may not impact protein structure and function. To our knowledge, functional studies have not been reported for this variant. This variant has not been reported in individuals affected with DSC2-related disorders in the literature. This variant has not been identified in the general population by the Genome Aggregation Database (gnomAD). The available evidence is insufficient to determine the role of this variant in disease conclusively. Therefore, this variant is classified as a Variant of Uncertain Significance.

Ambry Genetics
Classification: Uncertain significance for Cardiovascular phenotype. Last evaluated: 2025-05-20. Review status: criteria provided, single submitter. Criteria: Ambry Variant Classification Scheme 2023. Collection method: clinical testing. Allele origin: germline.